The following is an entry in ClinVar:

ClinVar aggregate classification (germline): Likely benign (1 of 4 stars; one submission).

Submission:

CeGaT Center for Human Genetics Tuebingen
Classification: Likely benign. Last evaluated: 2023-05-01. Review status: criteria provided, single submitter. Criteria: CeGaT Center For Human Genetics Tuebingen Variant Classification Criteria Version 2. Collection method: clinical testing. Allele origin: germline. Affected: yes. Observed: 1 variant allele.
Comment: HRCT1: BS2

NM_001039792.2(HRCT1):c.328_329insCCCACCACACCCCTCACCACCTCCACCACCACCACCCCCACCACACCCCTCACCACCTCCACCACCACCACCACCACCACCACCGCCACC (p.His109_His110insProHisHisThrProHisHisLeuHisHisHisHisProHisHisThrProHisHisLeuHisHisHisHisHisHisHisHisArgHis)

Gene: HRCT1 (histidine rich carboxyl terminus 1; plus strand). Cytogenetic location: 9p13.3.
Variant type: Insertion.
Coding change: c.328_329insCCCACCACACCCCTCACCACCTCCACCACCACCACCCCCACCACACCCCTCACCACCTCCACCACCACCACCACCACCACCACCGCCACC on transcript NM_001039792.2 (MANE Select); coding-DNA positions 328 to 329, CCCACCACACCCCTCACCACCTCCACCACCACCACCCCCACCACACCCCTCACCACCTCCACCACCACCACCACCACCACCACCGCCACC inserted.
Protein change: p.His109_His110insProHisHisThrProHisHisLeuHisHisHisHisProHisHisThrProHisHisLeuHisHisHisHisHisHisHisHisArgHis.
Molecular consequence: inframe insertion.
Genome position: GRCh38: chr9:35,906,615-35,906,616. GRCh37 (hg19): chr9:35,906,612-35,906,613.
Identifiers: ClinVar variation 2659187 (VCV002659187.24), dbSNP rs1554690924, ClinGen allele CA1123238598.